The following is an entry in ClinVar:

NM_005751.5(AKAP9):c.3425C>T (p.Ala1142Val)

Gene: AKAP9 (A-kinase anchoring protein 9; plus strand). Cytogenetic location: 7q21.2.
Variant type: single nucleotide variant.
Coding change: c.3425C>T on transcript NM_005751.5 (MANE Select); coding-DNA position 3425, C replaced by T.
Protein change: p.Ala1142Val; replaces alanine 1142 with valine.
Molecular consequence: missense variant.
Genome position (GRCh38, 1-based): chr7:92,012,535, C>T. VCF-style: chr7-92012535-C-T. GRCh37 (hg19) VCF-style: chr7-91641849-C-T.
Other names: c.3425C>T, p.Ala1142Val (NM_147185.3); short protein forms A1142V.
Identifiers: ClinVar variation 3516490 (VCV003516490.1).

ClinVar aggregate classification (germline): Uncertain significance (1 of 4 stars; one submission).

Conditions:
Cardiovascular phenotype. Identifiers: MedGen CN230736.

gnomAD v4.1: 12 of 1,613,900 alleles (0.00074%); highest among the groups gnomAD compares: Non-Finnish European, 0.001%; no homozygotes.

Submission:

Ambry Genetics
Classification: Uncertain significance for Cardiovascular phenotype. Last evaluated: 2024-09-02. Review status: criteria provided, single submitter. Criteria: Ambry Variant Classification Scheme 2023. Collection method: clinical testing. Allele origin: germline.
Comment: The p.A1142V variant (also known as c.3425C>T), located in coding exon 9 of the AKAP9 gene, results from a C to T substitution at nucleotide position 3425. The alanine at codon 1142 is replaced by valine, an amino acid with similar properties. This amino acid position is conserved. In addition, this alteration is predicted to be tolerated by in silico analysis. Based on the available evidence, the clinical significance of this variant remains unclear.